The following is an entry in ClinVar:

ClinVar aggregate classification (germline): Uncertain significance (1 of 4 stars; one submission).

Conditions:
Long QT syndrome (LQTS). Identifiers: MedGen C0023976, MeSH D008133, MONDO:0002442. Disease mechanism: loss of function. Inheritance: Various modes of inheritance.

Allele frequency attached by ClinVar (database versions not stated): ExAC 0.00001.

Submission:

Labcorp Genetics (formerly Invitae), Labcorp
Classification: Uncertain significance for Long QT syndrome. Last evaluated: 2023-05-22. Review status: criteria provided, single submitter. Criteria: Invitae Variant Classification Sherloc (09022015). Collection method: clinical testing. Allele origin: germline.
Comment: An algorithm developed to predict the effect of missense changes on protein structure and function (PolyPhen-2) suggests that this variant is likely to be tolerated. This sequence change replaces glutamine, which is neutral and polar, with glutamic acid, which is acidic and polar, at codon 81 of the KCNH2 protein (p.Gln81Glu). This variant is present in population databases (rs749572065, gnomAD 0.008%). This variant has not been reported in the literature in individuals affected with KCNH2-related conditions. In summary, the available evidence is currently insufficient to determine the role of this variant in disease. Therefore, it has been classified as a Variant of Uncertain Significance.

NM_000238.4(KCNH2):c.241C>G (p.Gln81Glu)

Gene: KCNH2 (potassium voltage-gated channel subfamily H member 2; minus strand). Cytogenetic location: 7q36.1.
Variant type: single nucleotide variant.
Coding change: c.241C>G on transcript NM_000238.4 (MANE Select); coding-DNA position 241, C replaced by G.
Protein change: p.Gln81Glu; replaces glutamine 81 with glutamic acid.
Molecular consequence: missense variant. On other transcripts: non-coding transcript variant (1).
Genome position (GRCh38, 1-based): chr7:150,974,777, G>C on the plus strand (C>G on the coding strand, the complement: KCNH2 is on the minus strand). VCF-style: chr7-150974777-G-C. GRCh37 (hg19) VCF-style: chr7-150671865-G-C.
Other names: c.64C>G, p.Gln22Glu (NM_001406755.1); c.241C>G, p.Gln81Glu (NM_172056.3); short protein forms Q22E, Q81E.
Identifiers: ClinVar variation 2777336 (VCV002777336.3), dbSNP rs749572065, ClinGen allele CA032701.